The following is an entry in ClinVar:

NM_012388.4(BLOC1S6):c.173C>G (p.Ser58Cys)

Gene: BLOC1S6 (biogenesis of lysosomal organelles complex 1 subunit 6; plus strand). Cytogenetic location: 15q21.1.
Variant type: single nucleotide variant.
Coding change: c.173C>G on transcript NM_012388.4 (MANE Select); coding-DNA position 173, C replaced by G.
Protein change: p.Ser58Cys; replaces serine 58 with cysteine.
Molecular consequence: missense variant. On other transcripts: non-coding transcript variant (5).
Genome position (GRCh38, 1-based): chr15:45,592,225, C>G. VCF-style: chr15-45592225-C-G. GRCh37 (hg19) VCF-style: chr15-45884423-C-G.
Other names: c.188C>G, p.Ser63Cys (NM_001311255.1, NM_001311256.1); short protein forms S58C, S63C.
Identifiers: ClinVar variation 4809571 (VCV004809571.1).

ClinVar aggregate classification (germline): Uncertain significance (1 of 4 stars; one submission).

Conditions:
Hermansky-Pudlak syndrome 9 (HPS9). Identifiers: Orphanet 280663, Orphanet 79430, MedGen C3280026, MONDO:0013606, OMIM 614171.

Submission:

Labcorp Genetics (formerly Invitae), Labcorp
Classification: Uncertain significance for Hermansky-Pudlak syndrome 9. Last evaluated: 2025-06-22. Review status: criteria provided, single submitter. Criteria: Invitae Variant Classification Sherloc (09022015). Collection method: clinical testing. Allele origin: germline.
Comment: This sequence change replaces serine, which is neutral and polar, with cysteine, which is neutral and slightly polar, at codon 58 of the BLOC1S6 protein (p.Ser58Cys). This variant is not present in population databases (gnomAD no frequency). This variant has not been reported in the literature in individuals affected with BLOC1S6-related conditions. An algorithm developed to predict the effect of missense changes on protein structure and function (PolyPhen-2) suggests that this variant is likely to be disruptive. In summary, the available evidence is currently insufficient to determine the role of this variant in disease. Therefore, it has been classified as a Variant of Uncertain Significance.